The following is an entry in ClinVar:

NM_000038.6(APC):c.3696T>C (p.His1232=)

Gene: APC (APC regulator of Wnt signaling pathway; plus strand). Cytogenetic location: 5q22.2.
Variant type: single nucleotide variant.
Coding change: c.3696T>C on transcript NM_000038.6 (MANE Select); coding-DNA position 3696, T replaced by C.
Protein change: p.His1232=; no amino-acid change (histidine 1232 retained).
Molecular consequence: synonymous variant.
Genome position (GRCh38, 1-based): chr5:112,839,290, T>C. VCF-style: chr5-112839290-T-C. GRCh37 (hg19) VCF-style: chr5-112174987-T-C.
Other names: c.3696T>C, p.His1232= (NM_001127510.3, NM_001354895.2); c.3642T>C, p.His1214= (NM_001127511.3); c.3750T>C, p.His1250= (NM_001354896.2); c.3726T>C, p.His1242= (NM_001354897.2); c.3621T>C, p.His1207= (NM_001354898.2); c.3612T>C, p.His1204= (NM_001354899.2); c.3573T>C, p.His1191= (NM_001354900.2); c.3519T>C, p.His1173= (NM_001354901.2); and 5 more.
Identifiers: ClinVar variation 416769 (VCV000416769.15), dbSNP rs1060504897, ClinGen allele CA16611814.

ClinVar aggregate classification (germline): Benign/Likely benign. Review status: criteria provided, multiple submitters, no conflicts (2 of 4 stars). 4 submissions from 4 submitters: Benign (1); Likely benign (3). Last evaluated 2025-12-02.

Conditions:
Familial adenomatous polyposis 1 (FAP1). Also called: FAMILIAL ADENOMATOUS POLYPOSIS 1, ATTENUATED; POLYPOSIS, ADENOMATOUS INTESTINAL. Identifiers: MedGen C2713442, MONDO:0021056, OMIM 175100. Disease mechanism: loss of function.
Hereditary cancer-predisposing syndrome. Also called: Tumor predisposition; Neoplastic Syndromes, Hereditary; Hereditary neoplastic syndrome; Hereditary Cancer Syndrome. Identifiers: Orphanet 140162, MedGen C0027672, MeSH D009386, MONDO:0015356.

Allele frequency attached by ClinVar (database versions not stated): gnomAD 0.00001; TOPMed 0.00001.
gnomAD v4.1: 1 of 1,613,994 alleles (0.000062%); highest among the groups gnomAD compares: African/African-American, 0.0013%; no homozygotes.

Submissions (4):

Labcorp Genetics (formerly Invitae), Labcorp
Classification: Likely benign for Familial adenomatous polyposis 1. Last evaluated: 2025-12-02. Review status: criteria provided, single submitter. Criteria: Invitae Variant Classification Sherloc (09022015). Collection method: clinical testing. Allele origin: germline.

Myriad Genetics, Inc.
Classification: Benign for Familial adenomatous polyposis 1. Last evaluated: 2024-03-22. Review status: criteria provided, single submitter. Criteria: Myriad Autosomal Dominant, Autosomal Recessive and X-Linked Classification Criteria (2023). Collection method: clinical testing. Allele origin: unknown.
Comment: This variant is considered benign. This variant is a silent/synonymous amino acid change and it is not expected to impact splicing.

Ambry Genetics
Classification: Likely benign for Hereditary cancer-predisposing syndrome. Last evaluated: 2021-10-04. Review status: criteria provided, single submitter. Criteria: Ambry Variant Classification Scheme 2023. Collection method: clinical testing. Allele origin: germline.

Color Diagnostics, LLC DBA Color Health
Classification: Likely benign for Hereditary cancer-predisposing syndrome. Last evaluated: 2016-09-26. Review status: criteria provided, single submitter. Criteria: ACMG Guidelines, 2015. Collection method: clinical testing. Allele origin: germline.